The following is an entry in ClinVar:

ClinVar aggregate classification (germline): Uncertain significance (1 of 4 stars; one submission).

Conditions:
Neurofibromatosis, type 2 (SWNV). Also called: BILATERAL ACOUSTIC NEUROFIBROMATOSIS; SCHWANNOMATOSIS, VESTIBULAR; NF2-Related Schwannomatosis. Identifiers: Orphanet 637, MedGen C0027832, MONDO:0007039, OMIM 101000. Disease mechanism: loss of function.

Submission:

Labcorp Genetics (formerly Invitae), Labcorp
Classification: Uncertain significance for Neurofibromatosis, type 2. Last evaluated: 2023-06-07. Review status: criteria provided, single submitter. Criteria: Invitae Variant Classification Sherloc (09022015). Collection method: clinical testing. Allele origin: germline.
Comment: Advanced modeling of protein sequence and biophysical properties (such as structural, functional, and spatial information, amino acid conservation, physicochemical variation, residue mobility, and thermodynamic stability) performed at Invitae indicates that this missense variant is expected to disrupt NF2 protein function. In summary, the available evidence is currently insufficient to determine the role of this variant in disease. Therefore, it has been classified as a Variant of Uncertain Significance. This variant has not been reported in the literature in individuals affected with NF2-related conditions. This variant is not present in population databases (gnomAD no frequency). This sequence change replaces leucine, which is neutral and non-polar, with methionine, which is neutral and non-polar, at codon 64 of the NF2 protein (p.Leu64Met).

NM_000268.4(NF2):c.190C>A (p.Leu64Met)

Gene: NF2 (NF2, moesin-ezrin-radixin like (MERLIN) tumor suppressor; plus strand). Cytogenetic location: 22q12.2.
Variant type: single nucleotide variant.
Coding change: c.190C>A on transcript NM_000268.4 (MANE Select); coding-DNA position 190, C replaced by A.
Protein change: p.Leu64Met; replaces leucine 64 with methionine.
Molecular consequence: missense variant. On other transcripts: 5 prime UTR variant (2), intron variant (6).
Genome position (GRCh38, 1-based): chr22:29,636,826, C>A. VCF-style: chr22-29636826-C-A. GRCh37 (hg19) VCF-style: chr22-30032815-C-A.
Other names: c.76C>A, p.Leu26Met (NM_001407053.1, NM_001407056.1); c.190C>A, p.Leu64Met (NM_001407054.1, NM_001407057.1, NM_001407058.1 and 9 more transcripts); c.-451C>A (NM_001407065.1); c.-67C>A (NM_001407067.1); c.115-2264C>A (NM_181828.3, NM_001407055.1); c.115-5376C>A (NM_001407063.1, NM_181830.3, NM_001407064.1 and 1 more transcripts); short protein forms L26M, L64M.
Identifiers: ClinVar variation 2697484 (VCV002697484.3), dbSNP rs779218238, ClinGen allele CA411152570.
Genomic context (GRCh38, chr22:29,636,826, plus strand): 5'-AAGGACCTCTTTGATTTGGTGTGCCGGACTCTGGGGCTCCGAGAAACCTGGTTCTTTGGA[C>A]TGCAGTACACAATCAAGGACACAGTGGCCTGGCTCAAAATGGACAAGAAGGTTGGGCTAG-3'
Protein context (NP_000259.1, residues 54-74): LGLRETWFFG[Leu64Met]QYTIKDTVAW